The following is an entry in ClinVar:

ClinVar aggregate classification (germline): Pathogenic (1 of 4 stars; one submission).

Conditions:
Primary ciliary dyskinesia. Also called: Ciliary dyskinesia. Identifiers: Orphanet 244, MedGen C0008780, MONDO:0016575, HP:0012265.

Submission:

Labcorp Genetics (formerly Invitae), Labcorp
Classification: Pathogenic for Primary ciliary dyskinesia. Last evaluated: 2025-09-02. Review status: criteria provided, single submitter. Criteria: Invitae Variant Classification Sherloc (09022015). Collection method: clinical testing. Allele origin: germline.
Comment: This sequence change creates a premature translational stop signal (p.Glu1074*) in the RPGR (ORF15) gene. While this is not anticipated to result in nonsense mediated decay, it is expected to disrupt the last 79 amino acid(s) of the RPGR (ORF15) protein. This variant is not present in population databases (gnomAD no frequency). This variant has not been reported in the literature in individuals affected with RPGR (ORF15)-related conditions. ClinVar contains an entry for this variant (Variation ID: 2119012). This variant disrupts a region of the RPGR (ORF15) protein in which other variant(s) (p.Leu1130Lysfs*13) have been determined to be pathogenic (PMID: 22264887; internal data). This suggests that this is a clinically significant region of the protein, and that variants that disrupt it are likely to be disease-causing. For these reasons, this variant has been classified as Pathogenic.

Literature cited by the submitters: PubMed 22264887.

NM_001034853.2(RPGR):c.3220G>T (p.Glu1074Ter)

Gene: RPGR (retinitis pigmentosa GTPase regulator; minus strand). Cytogenetic location: Xp11.4.
Variant type: single nucleotide variant.
Coding change: c.3220G>T on transcript NM_001034853.2 (MANE Select); coding-DNA position 3220, G replaced by T.
Protein change: p.Glu1074Ter; replaces glutamic acid 1074 with a stop codon.
Molecular consequence: nonsense. On other transcripts: intron variant (8).
Genome position (GRCh38, 1-based): chrX:38,285,779, C>A on the plus strand (G>T on the coding strand, the complement: RPGR is on the minus strand). VCF-style: chrX-38285779-C-A. GRCh37 (hg19) VCF-style: chrX-38145032-C-A.
Other names: c.1569+5180G>T (NM_001367249.1, NM_001367250.1); c.1902+1315G>T (NM_001367245.1); c.1386+5180G>T (NM_001367251.1); c.1719+1315G>T (NM_001367246.1); c.1572+5180G>T (NM_001367247.1); c.1905+1315G>T (NM_000328.3); c.1602+5180G>T (NM_001367248.1); short protein forms E1074*.
Identifiers: ClinVar variation 2119012 (VCV002119012.4), dbSNP rs1259306034, ClinGen allele CA412728727.